The following is an entry in ClinVar:

ClinVar aggregate classification (germline): Likely benign (1 of 4 stars; one submission).

Conditions:
MKS1-related disorder. Also called: MKS1-related disorders; MKS1-related condition. Identifiers: MedGen CN239382.

Submission:

PreventionGenetics, part of Exact Sciences
Classification: Likely benign for MKS1-related condition. Last evaluated: 2025-10-23. Review status: criteria provided, single submitter. Criteria: ACMG Guidelines, 2015. Collection method: clinical testing. Allele origin: germline.
Comment: This variant is classified as likely benign based on ACMG/AMP sequence variant interpretation guidelines (Richards et al. 2015 PMID: 25741868, with internal and published modifications).

NM_017777.4(MKS1):c.750-4A>G

Gene: MKS1 (MKS transition zone complex subunit 1; minus strand). Cytogenetic location: 17q22.
Variant type: single nucleotide variant.
Coding change: c.750-4A>G on transcript NM_017777.4 (MANE Select); 4 bases into the intron before coding-DNA position 750, A replaced by G.
Molecular consequence: intron variant.
Genome position (GRCh38, 1-based): chr17:58,213,094, T>C on the plus strand (A>G on the coding strand, the complement: MKS1 is on the minus strand). VCF-style: chr17-58213094-T-C. GRCh37 (hg19) VCF-style: chr17-56290455-T-C.
Other names: c.141-4A>G (NM_001321268.2); c.750-4A>G (NM_001330397.2, NM_001321269.2, NM_001411113.1).
Identifiers: ClinVar variation 4992775 (VCV004992775.1).